The following is an entry in ClinVar:

NM_002968.3(SALL1):c.2269C>T (p.Arg757Cys)

Gene: SALL1 (spalt like transcription factor 1; minus strand). Cytogenetic location: 16q12.1.
Variant type: single nucleotide variant.
Coding change: c.2269C>T on transcript NM_002968.3 (MANE Select); coding-DNA position 2269, C replaced by T.
Protein change: p.Arg757Cys; replaces arginine 757 with cysteine.
Molecular consequence: missense variant.
Genome position (GRCh38, 1-based): chr16:51,139,953, G>A on the plus strand (C>T on the coding strand, the complement: SALL1 is on the minus strand). VCF-style: chr16-51139953-G-A. GRCh37 (hg19) VCF-style: chr16-51173864-G-A.
Other names: c.1978C>T, p.Arg660Cys (NM_001127892.2); short protein forms R660C, R757C.
Identifiers: ClinVar variation 2072565 (VCV002072565.8), dbSNP rs377342041, ClinGen allele CA8053140.

ClinVar aggregate classification (germline): Uncertain significance. Review status: criteria provided, multiple submitters, no conflicts (2 of 4 stars). 3 submissions from 3 submitters: Uncertain significance (3). Last evaluated 2023-10-10.

Conditions:
Townes syndrome (TBS). Also called: Townes-Brocks syndrome. Identifiers: Orphanet 857, MedGen C0265246, MeSH C536974, MONDO:0007142.
Inborn genetic diseases. Identifiers: MedGen C0950123, MeSH D030342.
Townes-Brocks syndrome 1 (TBS1). Also called: DEAFNESS, SENSORINEURAL, WITH IMPERFORATE ANUS AND THUMB ANOMALIES; REAR SYNDROME; RENAL-EAR-ANAL-RADIAL SYNDROME; SALL1-Related Townes-Brocks Syndrome. Identifiers: Orphanet 857, MedGen C4551481, MONDO:0054581, OMIM 107480.

Allele frequency attached by ClinVar (database versions not stated): gnomAD 0.00002; gnomAD exomes 0.00002; TOPMed 0.00002; ExAC 0.00006; ESP Exome Variant Server 0.00008.
gnomAD v4.1: 34 of 1,614,096 alleles (0.0021%); highest among the groups gnomAD compares: Middle Eastern, 0.13%; no homozygotes.

Submissions (3):

Ambry Genetics
Classification: Uncertain significance for Inborn genetic diseases. Last evaluated: 2023-10-10. Review status: criteria provided, single submitter. Criteria: Ambry Variant Classification Scheme 2023. Collection method: clinical testing. Allele origin: germline.

Labcorp Genetics (formerly Invitae), Labcorp
Classification: Uncertain significance for Townes syndrome. Last evaluated: 2022-03-29. Review status: criteria provided, single submitter. Criteria: Invitae Variant Classification Sherloc (09022015). Collection method: clinical testing. Allele origin: germline.
Comment: In summary, the available evidence is currently insufficient to determine the role of this variant in disease. Therefore, it has been classified as a Variant of Uncertain Significance. Algorithms developed to predict the effect of missense changes on protein structure and function (SIFT, PolyPhen-2, Align-GVGD) all suggest that this variant is likely to be disruptive. This variant has not been reported in the literature in individuals affected with SALL1-related conditions. This variant is present in population databases (rs377342041, gnomAD 0.006%). This sequence change replaces arginine, which is basic and polar, with cysteine, which is neutral and slightly polar, at codon 757 of the SALL1 protein (p.Arg757Cys).

Revvity Omics, Revvity
Classification: Uncertain significance for Townes-Brocks syndrome 1. Last evaluated: 2021-08-27. Review status: criteria provided, single submitter. Criteria: ACMG Guidelines, 2015. Collection method: clinical testing. Allele origin: germline.